The following is an entry in ClinVar:

ClinVar aggregate classification (germline): Uncertain significance (1 of 4 stars; one submission).

Submission:

GeneDx
Classification: Uncertain significance. Last evaluated: 2024-11-15. Review status: criteria provided, single submitter. Criteria: GeneDx Variant Classification Process June 2021. Collection method: clinical testing. Allele origin: germline. Affected: yes.
Comment: Not observed at significant frequency in large population cohorts (gnomAD); In-frame deletion of 1 amino acid in a non-repeat region; In silico analysis supports a deleterious effect on protein structure/function; Has not been previously published as pathogenic or benign to our knowledge

NM_001370466.1(NOD2):c.2806GAG[1] (p.Glu937del)

Gene: NOD2 (nucleotide binding oligomerization domain containing 2; plus strand). Cytogenetic location: 16q12.1.
Variant type: Microsatellite.
Coding change: c.2806GAG[1] on transcript NM_001370466.1 (MANE Select); one copy of the 3-base unit GAG starting at c.2806; the reference has two copies in a row; one copy, 3 bases deleted.
Protein change: p.Glu937del; deletes glutamic acid 937.
Molecular consequence: inframe indel (on NM_022162.1). On other transcripts: non-coding transcript variant (1).
Genome position (GRCh38, 1-based): chr16:50,725,496-50,725,498, GAG deleted; deleting any 3 consecutive bases within chr16:50,725,492-50,725,498 gives the same sequence; the position shown is the placement nearest the transcript's 3' end. VCF-style (leftmost placement, unchanged base first): chr16-50725491-TGGA-T. GRCh37 (hg19) VCF-style: chr16-50759402-TGGA-T.
Other names: c.2806GAG[1], p.Glu937del (NM_001293557.2); c.2887_2889GAG[1], p.Glu964del (NM_022162.1); c.2887GAG[1], p.Glu964del (NM_022162.3); c.2890_2892del (NM_022162.1); short protein forms E937del, E964del.
Identifiers: ClinVar variation 3900371 (VCV003900371.1).